The following is an entry in ClinVar:

ClinVar aggregate classification (germline): Likely benign. Review status: criteria provided, multiple submitters, no conflicts (2 of 4 stars). 2 submissions from 2 submitters: Likely benign (2). Last evaluated 2024-09-09.

Allele frequency attached by ClinVar (database versions not stated): gnomAD 0.00001; gnomAD exomes 0.00001; TOPMed 0.00001; ExAC 0.00004.
gnomAD v4.1: 17 of 1,446,478 alleles (0.0012%); highest among the groups gnomAD compares: African/African-American, 0.0014%; no homozygotes.

Submissions (2):

Blueprint Genetics
Classification: Likely benign. Last evaluated: 2024-09-09. Review status: criteria provided, single submitter. Criteria: ACMG Guidelines, 2015. Collection method: clinical testing. Allele origin: germline.

CeGaT Center for Human Genetics Tuebingen
Classification: Likely benign. Last evaluated: 2023-09-01. Review status: criteria provided, single submitter. Criteria: CeGaT Center For Human Genetics Tuebingen Variant Classification Criteria Version 2. Collection method: clinical testing. Allele origin: germline. Affected: yes. Observed: 1 variant allele.
Comment: GRIA4: BP4, BP7

NM_000829.4(GRIA4):c.708T>C (p.His236=)

Gene: GRIA4 (glutamate ionotropic receptor AMPA type subunit 4; plus strand). Cytogenetic location: 11q22.3.
Variant type: single nucleotide variant.
Coding change: c.708T>C on transcript NM_000829.4 (MANE Select); coding-DNA position 708, T replaced by C.
Protein change: p.His236=; no amino-acid change (histidine 236 retained).
Molecular consequence: synonymous variant. On other transcripts: non-coding transcript variant (1).
Genome position (GRCh38, 1-based): chr11:105,887,554, T>C. VCF-style: chr11-105887554-T-C. GRCh37 (hg19) VCF-style: chr11-105758280-T-C.
Other names: c.708T>C, p.His236= (NM_001112812.2, NM_001077243.3, NM_001077244.2).
Identifiers: ClinVar variation 2642336 (VCV002642336.25), dbSNP rs747033186, ClinGen allele CA6258469.